The following is an entry in ClinVar:

NM_005739.4(RASGRP1):c.1865T>C (p.Leu622Pro)

Gene: RASGRP1 (RAS guanyl releasing protein 1; minus strand). Cytogenetic location: 15q14.
Variant type: single nucleotide variant.
Coding change: c.1865T>C on transcript NM_005739.4 (MANE Select); coding-DNA position 1865, T replaced by C.
Protein change: p.Leu622Pro; replaces leucine 622 with proline.
Molecular consequence: missense variant.
Genome position (GRCh38, 1-based): chr15:38,498,802, A>G on the plus strand (T>C on the coding strand, the complement: RASGRP1 is on the minus strand). VCF-style: chr15-38498802-A-G. GRCh37 (hg19) VCF-style: chr15-38791003-A-G.
Other names: c.1760T>C, p.Leu587Pro (NM_001128602.2, NM_001306086.2); short protein forms L587P, L622P.
Identifiers: ClinVar variation 1715762 (VCV001715762.5), dbSNP rs2542856896, ClinGen allele CA391662547.

ClinVar aggregate classification (germline): Uncertain significance (1 of 4 stars; one submission).

gnomAD v4.1: 1 of 1,613,340 alleles (0.000062%); no homozygotes.

Submission:

Labcorp Genetics (formerly Invitae), Labcorp
Classification: Uncertain significance. Last evaluated: 2024-02-12. Review status: criteria provided, single submitter. Criteria: Invitae Variant Classification Sherloc (09022015). Collection method: clinical testing. Allele origin: germline.
Comment: This sequence change replaces leucine, which is neutral and non-polar, with proline, which is neutral and non-polar, at codon 622 of the RASGRP1 protein (p.Leu622Pro). This variant is not present in population databases (gnomAD no frequency). This variant has not been reported in the literature in individuals affected with RASGRP1-related conditions. ClinVar contains an entry for this variant (Variation ID: 1715762). Advanced modeling of protein sequence and biophysical properties (such as structural, functional, and spatial information, amino acid conservation, physicochemical variation, residue mobility, and thermodynamic stability) performed at Invitae indicates that this missense variant is not expected to disrupt RASGRP1 protein function with a negative predictive value of 80%. In summary, the available evidence is currently insufficient to determine the role of this variant in disease. Therefore, it has been classified as a Variant of Uncertain Significance.